The following is an entry in ClinVar:

ClinVar aggregate classification (germline): Uncertain significance. Review status: criteria provided, multiple submitters, no conflicts (2 of 4 stars). 2 submissions from 2 submitters: Uncertain significance (2). Last evaluated 2025-02-06.

Conditions:
Inborn genetic diseases. Identifiers: MedGen C0950123, MeSH D030342.

Allele frequency attached by ClinVar (database versions not stated): gnomAD exomes below 0.00001; TOPMed below 0.00001.
gnomAD v4.1: 1 of 1,613,482 alleles (0.000062%); highest among the groups gnomAD compares: East Asian, 0.0022%; no homozygotes.

Submissions (2):

GeneDx
Classification: Uncertain significance. Last evaluated: 2025-02-06. Review status: criteria provided, single submitter. Criteria: GeneDx Variant Classification Process June 2021. Collection method: clinical testing. Allele origin: germline. Affected: yes.
Comment: Observed with a second ERCC2 variant in a patient with congenital cataract, but it is not known whether the variants occurred on the same (in cis) or on different (in trans) chromosomes (PMID: 36980880); Not observed at significant frequency in large population cohorts (gnomAD); In silico analysis supports that this missense variant has a deleterious effect on protein structure/function; This variant is associated with the following publications: (PMID: 36980880)

Ambry Genetics
Classification: Uncertain significance for Inborn genetic diseases. Last evaluated: 2024-06-14. Review status: criteria provided, single submitter. Criteria: Ambry Variant Classification Scheme 2023. Collection method: clinical testing. Allele origin: germline.
Comment: The p.E20K variant (also known as c.58G>A), located in coding exon 2 of the ERCC2 gene, results from a G to A substitution at nucleotide position 58. The glutamic acid at codon 20 is replaced by lysine, an amino acid with similar properties. This amino acid position is conserved. In addition, this alteration is predicted to be deleterious by in silico analysis. Since supporting evidence is limited at this time, the clinical significance of this alteration remains unclear.

NM_000400.4(ERCC2):c.58G>A (p.Glu20Lys)

Gene: ERCC2 (ERCC excision repair 2, TFIIH core complex helicase subunit; minus strand). Cytogenetic location: 19q13.32.
Variant type: single nucleotide variant.
Coding change: c.58G>A on transcript NM_000400.4 (MANE Select); coding-DNA position 58, G replaced by A.
Protein change: p.Glu20Lys; replaces glutamic acid 20 with lysine.
Molecular consequence: missense variant. On other transcripts: 5 prime UTR variant (1).
Genome position (GRCh38, 1-based): chr19:45,370,180, C>T on the plus strand (G>A on the coding strand, the complement: ERCC2 is on the minus strand). VCF-style: chr19-45370180-C-T. GRCh37 (hg19) VCF-style: chr19-45873438-C-T.
Other names: c.-15G>A (NM_001130867.2); short protein forms E20K.
Identifiers: ClinVar variation 1750391 (VCV001750391.4), dbSNP rs764513844, ClinGen allele CA9513946.